The following is an entry in ClinVar:

ClinVar aggregate classification (germline): Uncertain significance (1 of 4 stars; one submission).

Conditions:
RASopathy. Also called: rasopathies; Noonan spectrum disorder. Identifiers: Orphanet 536391, MedGen C5555857, MONDO:0021060.

Submission:

Labcorp Genetics (formerly Invitae), Labcorp
Classification: Uncertain significance for RASopathy. Last evaluated: 2023-01-15. Review status: criteria provided, single submitter. Criteria: Invitae Variant Classification Sherloc (09022015). Collection method: clinical testing. Allele origin: germline.
Comment: This sequence change replaces histidine, which is basic and polar, with aspartic acid, which is acidic and polar, at codon 700 of the SOS1 protein (p.His700Asp). In summary, the available evidence is currently insufficient to determine the role of this variant in disease. Therefore, it has been classified as a Variant of Uncertain Significance. Advanced modeling of protein sequence and biophysical properties (such as structural, functional, and spatial information, amino acid conservation, physicochemical variation, residue mobility, and thermodynamic stability) performed at Invitae indicates that this missense variant is expected to disrupt SOS1 protein function. This variant has not been reported in the literature in individuals affected with SOS1-related conditions. This variant is not present in population databases (gnomAD no frequency).

NM_005633.4(SOS1):c.2098C>G (p.His700Asp)

Gene: SOS1 (SOS Ras/Rac guanine nucleotide exchange factor 1; minus strand). Cytogenetic location: 2p22.1.
Variant type: single nucleotide variant.
Coding change: c.2098C>G on transcript NM_005633.4 (MANE Select); coding-DNA position 2098, C replaced by G.
Protein change: p.His700Asp; replaces histidine 700 with aspartic acid.
Molecular consequence: missense variant.
Genome position (GRCh38, 1-based): chr2:39,013,529, G>C on the plus strand (C>G on the coding strand, the complement: SOS1 is on the minus strand). VCF-style: chr2-39013529-G-C. GRCh37 (hg19) VCF-style: chr2-39240670-G-C.
Other names: c.2077C>G, p.His693Asp (NM_001382394.1); c.2098C>G, p.His700Asp (NM_001382395.1); short protein forms H700D, H693D.
Identifiers: ClinVar variation 2810659 (VCV002810659.3), dbSNP rs2528997868, ClinGen allele CA346364655.